The following is an entry in ClinVar:

ClinVar aggregate classification (germline): Likely pathogenic. Review status: reviewed by expert panel (3 of 4 stars). 5 submissions from 5 submitters: Likely pathogenic (1). 4 of the submissions do not count toward it. Last evaluated 2024-05-23.

Conditions:
Marfan syndrome (MFS). Also called: MARFAN SYNDROME, TYPE I; FBN1-Related Marfan Syndrome; Marfan syndrome, classic; Marfan syndrome type 1; Marfan's syndrome. Identifiers: Orphanet 284963, Orphanet 558, MedGen C0024796, MONDO:0007947, OMIM 154700.
Familial thoracic aortic aneurysm and aortic dissection (TAAD). Also called: Thoracic aortic aneurysms and dissections. Identifiers: Orphanet 91387, MedGen C4707243, MONDO:0019625.

Allele frequency attached by ClinVar (database versions not stated): gnomAD exomes below 0.00001; TOPMed below 0.00001.

Submissions (5):

ClinGen FBN1 Variant Curation Expert Panel, ClinGen
Classification: Likely pathogenic for Marfan syndrome. Last evaluated: 2024-05-23. Review status: reviewed by expert panel. Criteria: Assertion Criteria VCEP FBN1 Version 1. Collection method: curation. Allele origin: germline. Inheritance: Autosomal dominant inheritance.
Comment: The NM_00138 c.1147G>A is a missense variant in FBN1 predicted to cause a substitution of a glutamic acid by lysine at amino acid 383 (p.Glu383Lys). This variant was found in a proband with a systemic score >7 and thoracic aortic aneurysm and/or dissection, which is a highly specific phenotype for Marfan syndrome (MFS) (PMID 11700157, internal lab data, PP4). This variant has been reported four times in ClinVar: once as pathogenic, once as likely pathogenic, and twice as uncertain significance (Variation ID: 200177). This variant is not present in gnomAD (PM2_sup; v2.1.1). This variant has been reported in the literature in at least three individuals with clinical features of MFS and/or thoracic aortic aneurysm and dissection (PS4_Mod; PMID 19159394, Invitae ClinVar entry, internal lab data) and in an individual with left iliac aneurysm (GeneDx internal lab data). Computational prediction tools and conservation analysis are inconclusive with regards to a possible impact on this variant’s protein function and structure (REVEL: 0.702). This variant is located in the last nucleotide of exon 9. In silico prediction programs predict that this variant may disrupt RNA splicing (PP3). The constraint z-score for missense variants affecting FBN1 is 5.06 (PP2). In summary, this variant meets criteria to be classified as likely pathogenic for Marfan syndrome based on the ACMG/AMP criteria applied, as specified by the ClinGen FBN1 VCEP: PS4_Mod, PM2_Sup, PP2, PP3, PP4

Labcorp Genetics (formerly Invitae), Labcorp
Classification: Pathogenic for Marfan syndrome; Familial thoracic aortic aneurysm and aortic dissection. Last evaluated: 2025-08-31. Review status: criteria provided, single submitter. Criteria: Invitae Variant Classification Sherloc (09022015). Collection method: clinical testing. Allele origin: germline. Not counted in ClinVar's aggregate classification.
Comment: This sequence change replaces glutamic acid, which is acidic and polar, with lysine, which is basic and polar, at codon 383 of the FBN1 protein (p.Glu383Lys). This variant also falls at the last nucleotide of exon 10, which is part of the consensus splice site for this exon. This variant is not present in population databases (gnomAD no frequency). This missense change has been observed in individuals with clinical features of Marfan syndrome (PMID: 11700157, 19159394; internal data). ClinVar contains an entry for this variant (Variation ID: 200177). An algorithm developed to predict the effect of missense changes on protein structure and function (PolyPhen-2) suggests that this variant is likely to be disruptive. Variants that disrupt the consensus splice site are a relatively common cause of aberrant splicing (PMID: 17576681, 9536098). Algorithms developed to predict the effect of sequence changes on RNA splicing suggest that this variant may disrupt the consensus splice site. For these reasons, this variant has been classified as Pathogenic.

GeneDx
Classification: Uncertain significance. Last evaluated: 2020-01-22. Review status: criteria provided, single submitter. Criteria: GeneDx Variant Classification Process June 2021. Collection method: clinical testing. Allele origin: germline. Affected: yes. Not counted in ClinVar's aggregate classification.
Comment: Not observed in large population cohorts (Lek et al., 2016); Reported in ClinVar (ClinVar Variant ID# 200177; Landrum et al., 2016); In silico analysis, which includes protein predictors and evolutionary conservation, supports a deleterious effect; Does not affect a cysteine residue within a calcium-binding EGF-like domain of the FBN1gene; cysteine substitutions in the calcium-binding EGF-like domains represent the majority of pathogenic missense changes associated with FBN1-related disorders (Collod-Beroud et al., 2003); This variant is associated with the following publications: (PMID: 19370756, 11700157, 19159394)

Ambry Genetics
Classification: Likely pathogenic for Familial thoracic aortic aneurysm and aortic dissection. Last evaluated: 2018-11-13. Review status: criteria provided, single submitter. Criteria: Ambry Variant Classification Scheme 2023. Collection method: clinical testing. Allele origin: germline. Not counted in ClinVar's aggregate classification.
Comment: The p.E383K variant (also known as c.1147G>A), located in coding exon 9 of the FBN1 gene, results from a G to A substitution at nucleotide position 1147. The amino acid change results in glutamic acid to lysine at codon 383, an amino acid with similar properties, and is located in the TGFB#01 domain. However, this change occurs in the last base pair of coding exon 9, which makes it likely to have some effect on normal mRNA splicing. Using the BDGP and ESEfinder splice site prediction tools, this alteration is predicted to weaken the efficiency of the native splice donor site; however, direct evidence is unavailable. This alteration has also been reported in Marfan syndrome cohorts (Loeys B et al. Arch. Intern. Med., 2001 Nov;161:2447-54; S&ouml;ylen B et al. Clin. Genet., 2009 Mar;75:265-70). This variant was not reported in population-based cohorts in the Genome Aggregation Database (gnomAD). This amino acid position is highly conserved in available vertebrate species. In addition, this alteration is predicted to be deleterious by in silico analysis. Based on the majority of available evidence to date, this variant is likely to be pathogenic.

Center for Medical Genetics Ghent, University of Ghent
Classification: Uncertain significance for Marfan syndrome. Last evaluated: 2017-11-07. Review status: no assertion criteria provided. Collection method: clinical testing. Allele origin: germline. Affected: yes. Not counted in ClinVar's aggregate classification.

Literature cited by the submitters: PubMed 11700157 (cited by Labcorp Genetics (formerly Invitae), Labcorp and Ambry Genetics); PubMed 19159394 (cited by Labcorp Genetics (formerly Invitae), Labcorp and Ambry Genetics); PubMed 17576681 (cited by Labcorp Genetics (formerly Invitae), Labcorp); PubMed 9536098 (cited by Labcorp Genetics (formerly Invitae), Labcorp).

NM_000138.5(FBN1):c.1147G>A (p.Glu383Lys)

Genes: FBN1 (fibrillin 1; minus strand), LOC113939944 (Sharpr-MPRA regulatory region 9539; plus strand). Cytogenetic location: 15q21.1.
Variant type: single nucleotide variant.
Coding change: c.1147G>A on transcript NM_000138.5 (MANE Select); coding-DNA position 1147, G replaced by A.
Protein change: p.Glu383Lys; replaces glutamic acid 383 with lysine.
Molecular consequence: missense variant.
Genome position (GRCh38, 1-based): chr15:48,520,659, C>T on the plus strand (G>A on the coding strand, the complement: FBN1 is on the minus strand). VCF-style: chr15-48520659-C-T. GRCh37 (hg19) VCF-style: chr15-48812856-C-T.
Other names: p.E383K:GAG>AAG; NM_000138.5(FBN1):c.1147G>A; p.Glu383Lys; short protein forms E383K.
Identifiers: ClinVar variation 200177 (VCV000200177.16), dbSNP rs794728325, ClinGen allele CA011960.
Genomic context (GRCh38, chr15:48,520,659, plus strand): 5'-GCCACTGGGCTTGTGAGGGCTGGGATGGGATATTCTGCAGATAACTGGAAGGGCTCTTAC[C>T]GGTTGCTCTGATGGGACACATCTCAGGGGCGACAGTGACCCCTGGAGACCAGCATCGGCC-3'
Protein context (NP_000129.3, residues 373-393): APEMCPIRAT[Glu383Lys]DFNKLCSVPM